The following is an entry in ClinVar:

NM_001364905.1(LRBA):c.6032C>T (p.Thr2011Ile)

Gene: LRBA (LPS responsive beige-like anchor protein; minus strand). Cytogenetic location: 4q31.3.
Variant type: single nucleotide variant.
Coding change: c.6032C>T on transcript NM_001364905.1 (MANE Select); coding-DNA position 6032, C replaced by T.
Protein change: p.Thr2011Ile; replaces threonine 2011 with isoleucine.
Molecular consequence: missense variant.
Genome position (GRCh38, 1-based): chr4:150,599,021, G>A on the plus strand (C>T on the coding strand, the complement: LRBA is on the minus strand). VCF-style: chr4-150599021-G-A. GRCh37 (hg19) VCF-style: chr4-151520173-G-A.
Other names: c.6032C>T, p.Thr2011Ile (NM_001199282.3, NM_001367550.1, NM_006726.5); short protein forms T2011I.
Identifiers: ClinVar variation 2079450 (VCV002079450.1), dbSNP rs999379090, ClinGen allele CA108379958.

ClinVar aggregate classification (germline): Uncertain significance (1 of 4 stars; one submission).

Conditions:
Combined immunodeficiency due to LRBA deficiency. Also called: Common variable immunodeficiency 8, with autoimmunity. Identifiers: Orphanet 445018, MedGen C3553512, MONDO:0013863, OMIM 614700.

Allele frequency attached by ClinVar (database versions not stated): gnomAD 0.00001; gnomAD exomes 0.00001.
gnomAD v4.1: 6 of 1,613,922 alleles (0.00037%); highest among the groups gnomAD compares: Admixed American, 0.01%; no homozygotes.

Submission:

Labcorp Genetics (formerly Invitae), Labcorp
Classification: Uncertain significance for Combined immunodeficiency due to LRBA deficiency. Last evaluated: 2022-03-09. Review status: criteria provided, single submitter. Criteria: Invitae Variant Classification Sherloc (09022015). Collection method: clinical testing. Allele origin: germline.
Comment: This sequence change replaces threonine, which is neutral and polar, with isoleucine, which is neutral and non-polar, at codon 2011 of the LRBA protein (p.Thr2011Ile). This variant is present in population databases (no rsID available, gnomAD 0.01%). This variant has not been reported in the literature in individuals affected with LRBA-related conditions. Algorithms developed to predict the effect of missense changes on protein structure and function are either unavailable or do not agree on the potential impact of this missense change (SIFT: "Tolerated"; PolyPhen-2: "Probably Damaging"; Align-GVGD: "Class C0"). In summary, the available evidence is currently insufficient to determine the role of this variant in disease. Therefore, it has been classified as a Variant of Uncertain Significance.